The following is an entry in ClinVar:

ClinVar aggregate classification (germline): Conflicting classifications of pathogenicity. Review status: criteria provided, conflicting classifications (1 of 4 stars). 20 submissions from 20 submitters: Uncertain significance (9); Benign (3); Likely benign (5). 3 of the submissions do not count toward it. Last evaluated 2026-09-01.

Conditions:
FANCA-related disorder. Also called: FANCA-related condition.
Fanconi anemia (FA). Also called: Fanconi's anemia. Identifiers: Orphanet 84, MedGen C0015625, MeSH D005199, MONDO:0019391.
Fanconi anemia complementation group A (FANCA). Also called: FANCA-Related Fanconi Anemia; Fanconi anemia, group A. Identifiers: Orphanet 84, MedGen C3469521, MONDO:0009215, OMIM 227650.

Allele frequency attached by ClinVar (database versions not stated): 1000 Genomes Project 30x 0.00109; 1000 Genomes Project 0.00120; gnomAD 0.00223 and 0.00230; TOPMed 0.00229; ESP Exome Variant Server 0.00231.
gnomAD v4.1: 4,158 of 1,612,748 alleles (0.26%); highest among the groups gnomAD compares: Non-Finnish European, 0.31%; 9 homozygotes.

Submissions (20):

CeGaT Center for Human Genetics Tuebingen
Classification: Likely benign. Last evaluated: 2026-09-01. Review status: criteria provided, single submitter. Criteria: CeGaT Center For Human Genetics Tuebingen Variant Classification Criteria Version 2. Collection method: clinical testing. Allele origin: germline. Affected: yes. Observed: 32 variant alleles.
Comment: FANCA: BS2

Labcorp Genetics (formerly Invitae), Labcorp
Classification: Benign for Fanconi anemia. Last evaluated: 2026-02-01. Review status: criteria provided, single submitter. Criteria: Invitae Variant Classification Sherloc (09022015). Collection method: clinical testing. Allele origin: germline.

Mendelics
Classification: Likely benign for Fanconi anemia complementation group A. Last evaluated: 2025-06-23. Review status: criteria provided, single submitter. Criteria: ACMG Guidelines, 2015. Collection method: clinical testing. Allele origin: unknown.
Comment: This variant is considered likely benign or benign based on one or more of the following: it is predicted to be benign by multiple in silico algorithms, and/or has population frequency not consistent with disease, and/or has normal protein function, and/or has lack of segregation with disease, and/or has been detected in co-occurrence with known pathogenic variant, and/or has lack of disease association in case-control studies, and/or is located in a region inconsistent with a known cause of pathogenicity.

Quest Diagnostics Nichols Institute San Juan Capistrano
Classification: Benign. Last evaluated: 2025-06-02. Review status: criteria provided, single submitter. Criteria: Quest Diagnostics criteria. Collection method: clinical testing. Allele origin: unknown.

ARUP Laboratories, Molecular Genetics and Genomics, ARUP Laboratories
Classification: Uncertain significance for Fanconi anemia complementation group A. Last evaluated: 2025-04-16. Review status: criteria provided, single submitter. Criteria: ARUP Molecular Germline Variant Investigation Process 2024. Collection method: clinical testing. Allele origin: germline.
Comment: The FANCA c.1874G>C; p.Cys625Ser variant (rs139235751, ClinVar Variation ID 265136) is reported in the literature in few individuals with Fanconi anemia, but without evidence of causality ((Altintas 2023, Castella 2011). This variant is found in the general population with an overall allele frequency of 0.26% (4158/1,612,748 alleles, including 9 homozygotes) in the Genome Aggregation Database (v4.1.0). Computational analyses predict that this variant is deleterious (REVEL: 0.806). While the high population frequency suggests that this is likely a benign variant, given the lack of functional data, the significance of this variant is uncertain at this time. References: Altintas B et al. Genotype-phenotype and outcome associations in patients with Fanconi anemia: the National Cancer Institute cohort. Haematologica. 2023 Jan 1. PMID: 35417938. Castella M et al. Origin, functional role, and clinical impact of Fanconi anemia FANCA mutations. Blood. 2011 Apr 07. PMID: 21273304.

Blueprint Genetics
Classification: Likely benign. Last evaluated: 2024-11-26. Review status: criteria provided, single submitter. Criteria: ACMG Guidelines, 2015. Collection method: clinical testing. Allele origin: germline.

Women's Health and Genetics/Laboratory Corporation of America, LabCorp
Classification: Benign. Last evaluated: 2023-12-15. Review status: criteria provided, single submitter. Criteria: LabCorp Variant Classification Summary - May 2015. Collection method: clinical testing. Allele origin: germline.
Comment: Variant summary: FANCA c.1874G>C (p.Cys625Ser) results in a non-conservative amino acid change in the encoded protein sequence. Five of five in-silico tools predict a damaging effect of the variant on protein function. The variant allele was found at a frequency of 0.0026 in 1612748 control chromosomes, predominantly at a frequency of 0.0031 within the Non-Finnish European subpopulation in the gnomAD database. The observed variant frequency within Non-Finnish European control individuals in the gnomAD database is approximately equal to the estimated maximal expected allele frequency for a pathogenic variant in FANCA causing Fanconi Anemia phenotype (0.0022) and the variant was found in 8 homozygotes, strongly suggesting that the variant is a benign polymorphism found primarily in populations of Non-Finnish European origin. c.1874G>C has been reported in the literature in at least two individuals affected with Fanconi Anemia, however in one case it was not considered to be pathogenic as it was reportedly located in cis downstream from a pathogenic variant and was also observed at a similar frequency in healthy controls (Castella_2011, De Rocco_2014). To our knowledge, no experimental evidence demonstrating an impact on protein function has been reported. The following publications have been ascertained in the context of this evaluation (PMID: 21273304, 24584348, 34864095). Multiple submitters have cited clinical-significance assessments for this variant to ClinVar after 2014 with conflicting assessments. Ten submitters have classified the variant as uncertain significance, six submitters classified it as benign/likely benign, and one classified it as pathogenic. Based on the evidence outlined above, the variant was classified as benign.

St. Jude Molecular Pathology, St. Jude Children's Research Hospital
Classification: Uncertain significance for Fanconi anemia complementation group A. Last evaluated: 2023-07-11. Review status: criteria provided, single submitter. Criteria: St. Jude Assertion Criteria 2020. Collection method: clinical testing. Allele origin: germline.
Comment: The FANCA c.1874G>C (p.Cys625Ser) missense change has a maximum subpopulation frequency of 0.39% in gnomAD v2.1.1. The in silico tool REVEL predicts a deleterious effect on protein function, but to our knowledge this prediction has not been confirmed by functional studies. This variant has been reported in an individual with Fanconi anemia who also harbored a deletion of exons 18-20 in FANCA, however the phase of the two variants was not known (PMID: 21273304). In summary, the evidence currently available is insufficient to determine the clinical significance of this variant. It has therefore been classified as of uncertain significance.

Revvity Omics, Revvity
Classification: Uncertain significance for Fanconi anemia complementation group A. Last evaluated: 2022-06-07. Review status: criteria provided, single submitter. Criteria: ACMG Guidelines, 2015. Collection method: clinical testing. Allele origin: germline.

Sema4
Classification: Likely benign for Fanconi anemia. Last evaluated: 2022-01-21. Review status: criteria provided, single submitter. Criteria: Sema4 Curation Guidelines. Collection method: curation. Allele origin: germline.

Mayo Clinic Laboratories, Mayo Clinic
Classification: Uncertain significance. Last evaluated: 2021-12-14. Review status: criteria provided, single submitter. Criteria: ACMG Guidelines, 2015. Collection method: clinical testing. Allele origin: germline.

Institute for Clinical Genetics, University Hospital TU Dresden, University Hospital TU Dresden
Classification: Uncertain significance. Last evaluated: 2021-11-03. Review status: criteria provided, single submitter. Criteria: ACMG Guidelines, 2015. Collection method: clinical testing. Allele origin: germline.

Genome-Nilou Lab
Classification: Uncertain significance for Fanconi anemia complementation group A. Last evaluated: 2021-05-18. Review status: criteria provided, single submitter. Criteria: ACMG Guidelines, 2015. Collection method: clinical testing. Allele origin: germline. Affected: no.

Illumina Laboratory Services, Illumina
Classification: Uncertain significance for Fanconi anemia complementation group A. Last evaluated: 2017-04-27. Review status: criteria provided, single submitter. Criteria: ICSL Variant Classification Criteria 13 December 2019. Collection method: clinical testing. Allele origin: germline.

GeneDx
Classification: Uncertain significance. Last evaluated: 2017-01-24. Review status: criteria provided, single submitter. Criteria: GeneDx Variant Classification (06012015). Collection method: clinical testing. Allele origin: germline. Affected: yes.
Comment: The C625S variant in the FANCA gene has been previously reported in an individual with Fanconi anemia who also harbored a multi-exon FANCA deletion; however, the phase of these two variants was not confirmed, as parental testing was not performed (Castella et al., 2011). Although not present in the homozygous state, the NHLBI ESP Exome Sequencing Project reports C625S was observed in 27/8600 (0.31%) alleles from individuals of European background, indicating it may be a rare variant in this population. The C625S variant is a non-conservative amino acid substitution, which is likely to impact secondary protein structure as these residues differ in polarity, charge, size and/or other properties. This substitution occurs at a position that is conserved across species, and in silico analysis predicts this variant is probably damaging to the protein structure/function. We interpret C625S as a variant of uncertain significance.

Genetic Services Laboratory, University of Chicago
Classification: Uncertain significance. Last evaluated: 2016-11-02. Review status: criteria provided, single submitter. Criteria: ACMG Guidelines, 2015. Collection method: clinical testing. Allele origin: germline. Affected: no.

Eurofins Ntd Llc (ga)
Classification: Likely benign. Last evaluated: 2016-08-01. Review status: criteria provided, single submitter. Criteria: EGL Classification Definitions 2015. Collection method: clinical testing. Allele origin: germline. Observed: 1 variant allele, 1 heterozygote.

PreventionGenetics, part of Exact Sciences
Classification: Likely benign for FANCA-related condition. Last evaluated: 2022-02-02. Review status: no assertion criteria provided. Collection method: clinical testing. Allele origin: germline. Not counted in ClinVar's aggregate classification.
Comment: This variant is classified as likely benign based on ACMG/AMP sequence variant interpretation guidelines (Richards et al. 2015 PMID: 25741868, with internal and published modifications).

Natera, Inc.
Classification: Benign for Fanconi anemia, group A. Last evaluated: 2020-05-08. Review status: no assertion criteria provided. Collection method: clinical testing. Allele origin: germline. Not counted in ClinVar's aggregate classification.

Leiden Open Variation Database
Classification: Pathogenic for Fanconi anemia complementation group A. Last evaluated: 2020-02-28. Review status: no assertion criteria provided. Collection method: curation. Allele origin: germline. Affected: yes. Not counted in ClinVar's aggregate classification.
Comment: Curator: Arleen D. Auerbach. Submitter to LOVD: Arleen D. Auerbach.

Literature cited by the submitters: PubMed 34864095 (cited by Quest Diagnostics Nichols Institute San Juan Capistrano and Women's Health and Genetics/Laboratory Corporation of America, LabCorp); PubMed 24584348 (cited by Quest Diagnostics Nichols Institute San Juan Capistrano and Women's Health and Genetics/Laboratory Corporation of America, LabCorp); PubMed 21273304 (cited by 3 submitters); PubMed 28215707 (cited by Sema4).

NM_000135.4(FANCA):c.1874G>C (p.Cys625Ser)

Gene: FANCA (FA complementation group A; minus strand). Cytogenetic location: 16q24.3.
Variant type: single nucleotide variant.
Coding change: c.1874G>C on transcript NM_000135.4 (MANE Select); coding-DNA position 1874, G replaced by C.
Protein change: p.Cys625Ser; replaces cysteine 625 with serine.
Molecular consequence: missense variant.
Genome position (GRCh38, 1-based): chr16:89,775,768, C>G on the plus strand (G>C on the coding strand, the complement: FANCA is on the minus strand). VCF-style: chr16-89775768-C-G. GRCh37 (hg19) VCF-style: chr16-89842176-C-G.
Other names: p.Cys625Ser; c.1874G>C (NM_000135.3, LRG_495t1); c.1874G>C, p.Cys625Ser (NM_001286167.3); short protein forms C625S.
Identifiers: ClinVar variation 265136 (VCV000265136.78), dbSNP rs139235751, ClinGen allele CA8251994.